The following is an entry in ClinVar:

NM_172107.4(KCNQ2):c.2173C>T (p.Arg725Cys)

Gene: KCNQ2 (potassium voltage-gated channel subfamily Q member 2; minus strand). Cytogenetic location: 20q13.33.
Variant type: single nucleotide variant.
Coding change: c.2173C>T on transcript NM_172107.4 (MANE Select); coding-DNA position 2173, C replaced by T.
Protein change: p.Arg725Cys; replaces arginine 725 with cysteine.
Molecular consequence: missense variant.
Genome position (GRCh38, 1-based): chr20:63,407,090, G>A on the plus strand (C>T on the coding strand, the complement: KCNQ2 is on the minus strand). VCF-style: chr20-63407090-G-A. GRCh37 (hg19) VCF-style: chr20-62038443-G-A.
Other names: c.2089C>T, p.Arg697Cys (NM_004518.6); c.2119C>T, p.Arg707Cys (NM_172106.3); c.2080C>T, p.Arg694Cys (NM_172108.5); short protein forms R725C, R697C, R694C, R707C.
Identifiers: ClinVar variation 461414 (VCV000461414.14), dbSNP rs768284828, ClinGen allele CA9958136.

ClinVar aggregate classification (germline): Conflicting classifications of pathogenicity. Review status: criteria provided, conflicting classifications (1 of 4 stars). 3 submissions from 3 submitters: Uncertain significance (2); Likely benign (1). Last evaluated 2024-10-19.

Conditions:
Early-infantile DEE. Also called: Ohtahara syndrome; Early infantile epileptic encephalopathy; Early infantile epileptic encephalopathy with suppression bursts. Identifiers: Orphanet 1934, MedGen C0393706, MONDO:0800491.
Developmental and epileptic encephalopathy, 7 (DEE7). Also called: Early infantile epileptic encephalopathy 7; KCNQ2-Related Neonatal Epileptic Encephalopathy; KCNQ2-Related Neonatal-Onset Developmental and Epileptic Encephalopathy (NEO-DEE). Identifiers: Orphanet 439218, MedGen C3150986, MONDO:0013387, OMIM 613720.

Allele frequency attached by ClinVar (database versions not stated): ExAC below 0.00001; gnomAD exomes 0.00003 and 0.00004; TOPMed 0.00003; gnomAD 0.00004.
gnomAD v4.1: 62 of 1,534,640 alleles (0.004%); highest among the groups gnomAD compares: Middle Eastern, 0.017%; no homozygotes.

Submissions (3):

Labcorp Genetics (formerly Invitae), Labcorp
Classification: Uncertain significance for Early-infantile DEE. Last evaluated: 2024-10-19. Review status: criteria provided, single submitter. Criteria: Invitae Variant Classification Sherloc (09022015). Collection method: clinical testing. Allele origin: germline.
Comment: This sequence change replaces arginine, which is basic and polar, with cysteine, which is neutral and slightly polar, at codon 725 of the KCNQ2 protein (p.Arg725Cys). This variant is present in population databases (rs768284828, gnomAD 0.03%). This variant has not been reported in the literature in individuals affected with KCNQ2-related conditions. ClinVar contains an entry for this variant (Variation ID: 461414). Invitae Evidence Modeling of protein sequence and biophysical properties (such as structural, functional, and spatial information, amino acid conservation, physicochemical variation, residue mobility, and thermodynamic stability) indicates that this missense variant is expected to disrupt KCNQ2 protein function with a positive predictive value of 95%. In summary, the available evidence is currently insufficient to determine the role of this variant in disease. Therefore, it has been classified as a Variant of Uncertain Significance.

GeneDx
Classification: Likely benign. Last evaluated: 2021-03-31. Review status: criteria provided, single submitter. Criteria: GeneDx Variant Classification Process June 2021. Collection method: clinical testing. Allele origin: germline. Affected: yes.

Neuberg Centre For Genomic Medicine, NCGM
Classification: Uncertain significance for Developmental and epileptic encephalopathy, 7. Review status: criteria provided, single submitter. Criteria: ACMG Guidelines, 2015. Collection method: clinical testing. Allele origin: germline. Inheritance: Autosomal dominant inheritance. Affected: yes.
Comment: The missense variant c.2173C>T (p.Arg725Cys) in KCNQ2 gene has not been reported previously as a pathogenic variant nor as a benign variant, to our knowledge. This variant is reported with the allele frequency (0.003%) in the gnomAD and novel in 1000 genome database. The amino acid Arginine at position 725 is changed to a Cysteine changing protein sequence and it might alter its composition and physico-chemical properties. The variant is predicted to be damaging by both SIFT and PolyPhen2. The residue is conserved across species. For these reasons, this variant has been classified as Uncertain Significance.